The following is an entry in ClinVar:

NM_000975.5(RPL11):c.328C>T (p.Gln110Ter)

Gene: RPL11 (ribosomal protein L11; plus strand). Cytogenetic location: 1p36.11.
Variant type: single nucleotide variant.
Coding change: c.328C>T on transcript NM_000975.5 (MANE Select); coding-DNA position 328, C replaced by T.
Protein change: p.Gln110Ter; replaces glutamine 110 with a stop codon.
Molecular consequence: nonsense.
Genome position (GRCh38, 1-based): chr1:23,694,723, C>T. VCF-style: chr1-23694723-C-T. GRCh37 (hg19) VCF-style: chr1-24021213-C-T.
Other names: c.325C>T, p.Gln109Ter (NM_001199802.1); short protein forms Q110*, Q109*.
Identifiers: ClinVar variation 1729829 (VCV001729829.2), dbSNP rs2523400126, ClinGen allele CA338993342.

ClinVar aggregate classification (germline): Pathogenic (1 of 4 stars; one submission).

Conditions:
Diamond-Blackfan anemia. Also called: Blackfan Diamond syndrome; Aregenerative anemia chronic congenital; Red cell aplasia, pure hereditary; Congenital hypoplastic anemia; Aase syndrome. Identifiers: Orphanet 124, MedGen C1260899, MeSH D029503, MONDO:0015253, HP:0004810.

Submission:

Ambry Genetics
Classification: Pathogenic for Diamond-Blackfan anemia. Last evaluated: 2017-12-18. Review status: criteria provided, single submitter. Criteria: Ambry Variant Classification Scheme 2023. Collection method: clinical testing. Allele origin: germline.
Comment: The p.Q110* pathogenic mutation (also known as c.328C>T), located in coding exon 4 of the RPL11 gene, results from a C to T substitution at nucleotide position 328. This changes the amino acid from a glutamine to a stop codon within coding exon 4. This alteration is expected to result in loss of function by premature protein truncation or nonsense-mediated mRNA decay. As such, this alteration is interpreted as a disease-causing mutation.